The following is an entry in ClinVar:

ClinVar aggregate classification (germline): Pathogenic (1 of 4 stars; one submission).

Submission:

Labcorp Genetics (formerly Invitae), Labcorp
Classification: Pathogenic. Last evaluated: 2023-12-09. Review status: criteria provided, single submitter. Criteria: Invitae Variant Classification Sherloc (09022015). Collection method: clinical testing. Allele origin: germline.
Comment: This sequence change creates a premature translational stop signal (p.Ile3150Serfs*16) in the PCNT gene. It is expected to result in an absent or disrupted protein product. Loss-of-function variants in PCNT are known to be pathogenic (PMID: 18174396, 22821869). This variant is not present in population databases (gnomAD no frequency). This variant has not been reported in the literature in individuals affected with PCNT-related conditions. For these reasons, this variant has been classified as Pathogenic.

Literature cited by the submitters: PubMed 18174396; PubMed 22821869.

NM_006031.6(PCNT):c.9447_9451del (p.Ile3150fs)

Gene: PCNT (pericentrin; plus strand). Cytogenetic location: 21q22.3.
Variant type: Deletion.
Coding change: c.9447_9451del on transcript NM_006031.6 (MANE Select); coding-DNA positions 9447 to 9451, 5 bases deleted (GATTT; older notation c.9447_9451delGATTT).
Protein change: p.Ile3150fs; shifts the reading frame from isoleucine 3150.
Molecular consequence: frameshift variant.
Genome position (GRCh38, 1-based): chr21:46,440,908-46,440,912, GATTT deleted; deleting any 5 consecutive bases within chr21:46,440,907-46,440,912 gives the same sequence; the c. name uses the placement nearest the transcript's 3' end. VCF-style (leftmost placement, unchanged base first): chr21-46440906-CTGATT-C. GRCh37 (hg19) VCF-style: chr21-47860819-CTGATT-C.
Other names: c.8856_8860del, p.Ile2953fs (NM_001315529.2); short protein forms I3150fs, I2953fs.
Identifiers: ClinVar variation 2701797 (VCV002701797.3), dbSNP rs2519121332, ClinGen allele CA2697547615.
Genomic context (GRCh38, chr21:46,440,906, plus strand): 5'-TTCTTTTAGATGGAAAAATTGTACCTGCATTACTTGAGAGCAGAGAGCTTTAGAAAAGCT[CTGATT>C]TATCAAAAGAAGTATCTTTTGCTGTTGATTGGTGGATTCCAGGATTCTGAACAAGAAACA-3'